The following is an entry in ClinVar:

ClinVar aggregate classification (germline): Uncertain significance (1 of 4 stars; one submission).

Conditions:
Fanconi anemia (FA). Also called: Fanconi's anemia. Identifiers: Orphanet 84, MedGen C0015625, MeSH D005199, MONDO:0019391.

Submission:

Labcorp Genetics (formerly Invitae), Labcorp
Classification: Uncertain significance for Fanconi anemia. Last evaluated: 2021-02-19. Review status: criteria provided, single submitter. Criteria: Invitae Variant Classification Sherloc (09022015). Collection method: clinical testing. Allele origin: germline.
Comment: In summary, the available evidence is currently insufficient to determine the role of this variant in disease. Therefore, it has been classified as a Variant of Uncertain Significance. Algorithms developed to predict the effect of missense changes on protein structure and function are either unavailable or do not agree on the potential impact of this missense change (SIFT: "Deleterious"; PolyPhen-2: "Probably Damaging"; Align-GVGD: "Class C0"). This variant has not been reported in the literature in individuals with FANCI-related conditions. This variant is not present in population databases (ExAC no frequency). This sequence change replaces leucine with proline at codon 642 of the FANCI protein (p.Leu642Pro). The leucine residue is highly conserved and there is a moderate physicochemical difference between leucine and proline.

NM_001113378.2(FANCI):c.1925T>C (p.Leu642Pro)

Gene: FANCI (FA complementation group I; plus strand). Cytogenetic location: 15q26.1.
Variant type: single nucleotide variant.
Coding change: c.1925T>C on transcript NM_001113378.2 (MANE Select); coding-DNA position 1925, T replaced by C.
Protein change: p.Leu642Pro; replaces leucine 642 with proline.
Molecular consequence: missense variant.
Genome position (GRCh38, 1-based): chr15:89,291,647, T>C. VCF-style: chr15-89291647-T-C. GRCh37 (hg19) VCF-style: chr15-89834878-T-C.
Other names: c.1646T>C, p.Leu549Pro (NM_001376910.1); c.1925T>C, p.Leu642Pro (NM_001376911.1, NM_018193.3); short protein forms L549P, L642P.
Identifiers: ClinVar variation 1484237 (VCV001484237.8), dbSNP rs2151709613, ClinGen allele CA393748697.
Genomic context (GRCh38, chr15:89,291,647, plus strand): 5'-TGTCTTTTTTTTCTTACTATACACAGTTAAAACAGTTCTATGAGCCAAAACCTGATCTGC[T>C]GCCTCCTCTGAAATTAGAAGCTTGTATTCTGACCCAAGGAGATAAGATCTCTCTACAAGA-3'
Protein context (NP_001106849.1, residues 632-652): KQFYEPKPDL[Leu642Pro]PPLKLEACIL